The following is an entry in ClinVar:

ClinVar aggregate classification (germline): Uncertain significance. Review status: criteria provided, multiple submitters, no conflicts (2 of 4 stars). 2 submissions from 2 submitters: Uncertain significance (2). Last evaluated 2024-03-21.

Conditions:
Kabuki syndrome 2 (KABUK2). Also called: KDM6A-Related Kabuki Syndrome. Identifiers: Orphanet 2322, MedGen C3275495, MONDO:0010465, OMIM 300867.

Submissions (2):

Fulgent Genetics
Classification: Uncertain significance for Kabuki syndrome 2. Last evaluated: 2024-03-21. Review status: criteria provided, single submitter. Criteria: ACMG Guidelines, 2015. Collection method: clinical testing. Allele origin: germline.

GeneDx
Classification: Uncertain significance. Last evaluated: 2019-07-18. Review status: criteria provided, single submitter. Criteria: GeneDx Variant Classification Process June 2021. Collection method: clinical testing. Allele origin: germline. Affected: yes.
Comment: Has not been previously published as pathogenic or benign to our knowledge; In silico analysis, which includes splice predictors and evolutionary conservation, supports that this variant does not alter protein structure/function

NM_001291415.2(KDM6A):c.1468A>G (p.Thr490Ala)

Gene: KDM6A (lysine demethylase 6A; plus strand). Cytogenetic location: Xp11.3.
Variant type: single nucleotide variant.
Coding change: c.1468A>G on transcript NM_001291415.2 (MANE Select); coding-DNA position 1468, A replaced by G.
Protein change: p.Thr490Ala; replaces threonine 490 with alanine.
Molecular consequence: missense variant. On other transcripts: non-coding transcript variant (1), intron variant (4).
Genome position (GRCh38, 1-based): chrX:45,060,747, A>G. VCF-style: chrX-45060747-A-G. GRCh37 (hg19) VCF-style: chrX-44919992-A-G.
Other names: c.1333A>G, p.Thr445Ala (NM_001291416.2); c.1330-577A>G (NM_021140.4, NM_021140.3); c.1195-577A>G (NM_001291417.2, NM_001291418.2); c.442-577A>G (NM_001291421.2); short protein forms T445A, T490A.
Identifiers: ClinVar variation 1202818 (VCV001202818.4), dbSNP rs1428483797, ClinGen allele CA412784438.
Genomic context (GRCh38, chrX:45,060,747, plus strand): 5'-CTACACATGATTCCTTCTAGCCAAGTAGATGACCTGTCCAGTCCTGCCAAGAGGAAAAGA[A>G]CATCTAGTCCAACAAAGGTATATGTTTTAGAGAAATAGAAAATCCCAGTCAAAAAAGAAG-3'
Protein context (NP_001278344.1, residues 480-500): DLSSPAKRKR[Thr490Ala]SSPTKNTSDN